The following is an entry in ClinVar:

NC_012920.1(MT-ND2):m.5038T>C

Gene: MT-ND2 (mitochondrially encoded NADH dehydrogenase 2; plus strand).
Variant type: single nucleotide variant.
Genome position: chrM-5038-T-C.
Identifiers: ClinVar variation 692535 (VCV000692535.1), dbSNP rs1556422943, ClinGen allele CA414778616.

ClinVar aggregate classification (germline): Uncertain significance (1 of 4 stars; one submission).

Conditions:
Leigh syndrome (NULS). Also called: Leigh's necrotizing encephalopathy; Leigh's disease; Leigh Syndrome (mtDNA deletion); Leigh Disease; Subacute necrotizing encephalopathy; Necrotizing encephalopathy infantile subacute of Leigh. Identifiers: Orphanet 506, MedGen C2931891, MONDO:0009723, OMIM 256000.

Submission:

Wong Mito Lab, Molecular and Human Genetics, Baylor College of Medicine
Classification: Uncertain significance for Leigh syndrome. Last evaluated: 2019-10-17. Review status: criteria provided, single submitter. Criteria: Modified ACMG Guidelines (Unpublished). Collection method: clinical testing. Allele origin: germline.
Comment: The NC_012920.1:m.5038T>C (YP_003024027.1:p.Met190Thr) variant in MTND2 gene is interpretated to be a Uncertain Significance variant based on the modified ACMG guidelines (unpublished). This variant meets the following evidence codes: PP6